The following is an entry in ClinVar:

NM_001098634.2(RBM47):c.1612G>A (p.Gly538Arg)

Genes: RBM47 (RNA binding motif protein 47; minus strand), LOC126807040 (P300/CBP strongly-dependent group 1 enhancer GRCh37_chr4:40427439-40428638; plus strand). Cytogenetic location: 4p14.
Variant type: single nucleotide variant.
Coding change: c.1612G>A on transcript NM_001098634.2 (MANE Select); coding-DNA position 1612, G replaced by A.
Protein change: p.Gly538Arg; replaces glycine 538 with arginine.
Molecular consequence: missense variant.
Genome position (GRCh38, 1-based): chr4:40,426,074, C>T on the plus strand (G>A on the coding strand, the complement: RBM47 is on the minus strand). VCF-style: chr4-40426074-C-T. GRCh37 (hg19) VCF-style: chr4-40428091-C-T.
Other names: NC_000004.11:g.40428091C>T; c.1612G>A, p.Gly538Arg (NM_001371113.1); c.1498G>A, p.Gly500Arg (NM_001371114.1); c.1405G>A, p.Gly469Arg (NM_019027.4); short protein forms G469R, G500R, G538R.
Identifiers: ClinVar variation 3257599 (VCV003257599.18).
Genomic context (GRCh38, chr4:40,426,074, plus strand): 5'-TCTTCTGTAGTGTGGCGATCGTGGCTGTAGCTGGAGCAGCAAATGGCACGTAACTGGCCC[C>T]GTAGATCCCGGCAGTAGGAATTCTCTGAACGTTTGGAGCCACCGTGTATACTGGAGTTAT-3'
Protein context (NP_001092104.1, residues 528-548): VQRIPTAGIY[Gly538Arg]ASYVPFAAPA

ClinVar aggregate classification (germline): Likely benign (1 of 4 stars; one submission).

gnomAD v4.1: 7,636 of 1,614,154 alleles (0.47%); highest among the groups gnomAD compares: Non-Finnish European, 0.59%; 26 homozygotes.

Submissions (2):

CeGaT Center for Human Genetics Tuebingen
Classification: Likely benign. Last evaluated: 2024-07-01. Review status: criteria provided, single submitter. Criteria: CeGaT Center For Human Genetics Tuebingen Variant Classification Criteria Version 2. Collection method: clinical testing. Allele origin: germline. Affected: yes. Observed: 1 variant allele.
Comment: RBM47: BS2

Dr. Peter K. Rogan Lab, Western University
No classification provided (evidence only). Condition: Malignant tumor of urinary bladder. Review status: no classification provided. Collection method: in vitro. Allele origin: not applicable. Functional consequence: retained intron. Not counted in ClinVar's aggregate classification.